The following is an entry in ClinVar:

ClinVar aggregate classification (germline): Uncertain significance (1 of 4 stars; one submission).

gnomAD v4.1: 1 of 1,614,014 alleles (0.000062%); highest among the groups gnomAD compares: East Asian, 0.0022%; no homozygotes.

Submission:

Labcorp Genetics (formerly Invitae), Labcorp
Classification: Uncertain significance. Last evaluated: 2025-12-14. Review status: criteria provided, single submitter. Criteria: Invitae Variant Classification Sherloc (09022015). Collection method: clinical testing. Allele origin: germline.
Comment: This sequence change replaces lysine, which is basic and polar, with arginine, which is basic and polar, at codon 403 of the ALPK3 protein (p.Lys403Arg). This variant is not present in population databases (gnomAD no frequency). This variant has not been reported in the literature in individuals affected with ALPK3-related conditions. An algorithm developed to predict the effect of missense changes on protein structure and function outputs the following: PolyPhen-2: "Benign". The arginine amino acid residue is found in multiple mammalian species, which suggests that this missense change does not adversely affect protein function. In summary, the available evidence is currently insufficient to determine the role of this variant in disease. Therefore, it has been classified as a Variant of Uncertain Significance.

NM_020778.5(ALPK3):c.602A>G (p.Lys201Arg)

Gene: ALPK3 (alpha kinase 3; plus strand). Cytogenetic location: 15q25.3.
Variant type: single nucleotide variant.
Coding change: c.602A>G on transcript NM_020778.5 (MANE Select); coding-DNA position 602, A replaced by G.
Protein change: p.Lys201Arg; replaces lysine 201 with arginine.
Molecular consequence: missense variant.
Genome position (GRCh38, 1-based): chr15:84,839,881, A>G. VCF-style: chr15-84839881-A-G. GRCh37 (hg19) VCF-style: chr15-85383112-A-G.
Other names: short protein forms K201R.
Identifiers: ClinVar variation 4772564 (VCV004772564.1).